The following is an entry in ClinVar:

ClinVar aggregate classification (germline): Uncertain significance. Review status: criteria provided, multiple submitters, no conflicts (2 of 4 stars). 2 submissions from 2 submitters: Uncertain significance (2). Last evaluated 2024-09-18.

Conditions:
Hereditary cancer-predisposing syndrome. Also called: Tumor predisposition; Hereditary neoplastic syndrome; Hereditary Cancer Syndrome; Neoplastic Syndromes, Hereditary. Identifiers: Orphanet 140162, MedGen C0027672, MeSH D009386, MONDO:0015356.
Parathyroid carcinoma (PRTC). Also called: Parathyroid gland carcinoma; CDC73-Related Parathyroid Carcinoma. Identifiers: Orphanet 143, MedGen C0687150, MONDO:0012004, OMIM 608266, HP:0006780.

Submissions (2):

Ambry Genetics
Classification: Uncertain significance for Hereditary cancer-predisposing syndrome. Last evaluated: 2024-09-18. Review status: criteria provided, single submitter. Criteria: Ambry Variant Classification Scheme 2023. Collection method: clinical testing. Allele origin: germline.
Comment: The p.R120Q variant (also known as c.359G>A), located in coding exon 4 of the CDC73 gene, results from a G to A substitution at nucleotide position 359. The arginine at codon 120 is replaced by glutamine, an amino acid with highly similar properties. This amino acid position is conserved. In addition, the in silico prediction for this alteration is inconclusive. Based on the available evidence, the clinical significance of this variant remains unclear.

Labcorp Genetics (formerly Invitae), Labcorp
Classification: Uncertain significance for Parathyroid carcinoma. Last evaluated: 2020-08-27. Review status: criteria provided, single submitter. Criteria: Invitae Variant Classification Sherloc (09022015). Collection method: clinical testing. Allele origin: germline.
Comment: This variant is not present in population databases (ExAC no frequency). This variant has not been reported in the literature in individuals with CDC73-related conditions. Algorithms developed to predict the effect of missense changes on protein structure and function are either unavailable or do not agree on the potential impact of this missense change (SIFT: "Deleterious"; PolyPhen-2: "Benign"; Align-GVGD: "Class C0"). In summary, the available evidence is currently insufficient to determine the role of this variant in disease. Therefore, it has been classified as a Variant of Uncertain Significance. This sequence change replaces arginine with glutamine at codon 120 of the CDC73 protein (p.Arg120Gln). The arginine residue is moderately conserved and there is a small physicochemical difference between arginine and glutamine.

NM_024529.5(CDC73):c.359G>A (p.Arg120Gln)

Gene: CDC73 (cell division cycle 73; plus strand). Cytogenetic location: 1q31.2.
Variant type: single nucleotide variant.
Coding change: c.359G>A on transcript NM_024529.5 (MANE Select); coding-DNA position 359, G replaced by A.
Protein change: p.Arg120Gln; replaces arginine 120 with glutamine.
Molecular consequence: missense variant.
Genome position (GRCh38, 1-based): chr1:193,135,442, G>A. VCF-style: chr1-193135442-G-A. GRCh37 (hg19) VCF-style: chr1-193104572-G-A.
Other names: c.359G>A (NM_024529.4); short protein forms R120Q.
Identifiers: ClinVar variation 1052298 (VCV001052298.10), dbSNP rs2103121520, ClinGen allele CA343960496.